The following is an entry in ClinVar:

ClinVar aggregate classification (germline): Uncertain significance (1 of 4 stars; one submission).

Submission:

Ambry Genetics
Classification: Uncertain significance. Last evaluated: 2026-08-08. Review status: criteria provided, single submitter. Criteria: Ambry Variant Classification Scheme 2023. Collection method: clinical testing. Allele origin: germline.
Comment: The p.A593T variant (also known as c.1777G>A), located in coding exon 15 of the A2ML1 gene, results from a G to A substitution at nucleotide position 1777. The alanine at codon 593 is replaced by threonine, an amino acid with similar properties. This amino acid position is conserved. In addition, the in silico prediction for this alteration is inconclusive. Based on the available evidence, the clinical significance of this variant remains unclear.

NM_144670.6(A2ML1):c.1777G>A (p.Ala593Thr)

Gene: A2ML1 (alpha-2-macroglobulin like 1; plus strand). Cytogenetic location: 12p13.31.
Variant type: single nucleotide variant.
Coding change: c.1777G>A on transcript NM_144670.6 (MANE Select); coding-DNA position 1777, G replaced by A.
Protein change: p.Ala593Thr; replaces alanine 593 with threonine.
Molecular consequence: missense variant.
Genome position (GRCh38, 1-based): chr12:8,847,642, G>A. VCF-style: chr12-8847642-G-A. GRCh37 (hg19) VCF-style: chr12-9000238-G-A.
Other names: c.304G>A, p.Ala102Thr (NM_001282424.3); short protein forms A593T, A102T.
Identifiers: ClinVar variation 5026043 (VCV005026043.1).
Genomic context (GRCh38, chr12:8,847,642, plus strand): 5'-CCAGGAGCAGAAGTGGAGCTGCAGCTGCAGGCAGCTCCCGGATCCCTGTGTGCGCTCCGG[G>A]CGGTGGATGAGAGTGTCTTACTGCTTAGGCCAGACAGAGAGCTGAGCAACCGCTCTGTGA-3'
Protein context (NP_653271.3, residues 583-603): AAPGSLCALR[Ala593Thr]VDESVLLLRP